The following is an entry in ClinVar:

ClinVar aggregate classification (germline): Uncertain significance (1 of 4 stars; one submission).

Conditions:
Ehlers-Danlos syndrome due to tenascin-X deficiency (EDSCLL1). Also called: Ehlers-Danlos syndrome, classic-like, 1; EHLERS-DANLOS SYNDROME, CLASSIC-LIKE; TNXB-Related Classical-Like Ehlers-Danlos Syndrome; EDS DUE TO TNX DEFICIENCY; TNX DEFICIENCY. Identifiers: Orphanet 230839, MedGen C1848029, MONDO:0011670, OMIM 606408.

Submission:

Dasa
Classification: Uncertain significance for Ehlers-Danlos syndrome due to tenascin-X deficiency. Last evaluated: 2025-12-26. Review status: criteria provided, single submitter. Criteria: DASA Assertion Criteria. Collection method: clinical testing. Allele origin: germline.
Comment: NM_001365276.2(TNXB):c.2036G>A (p.Gly679Glu) is a missense variant that results in the substitution of glycine with glutamic acid. This variant is rare in population databases. The currently available literature and clinical evidence are not sufficient to establish a definitive association between this variant and the reported condition. Therefore, this variant is classified as a variant of uncertain significance.

NM_001365276.2(TNXB):c.2036G>A (p.Gly679Glu)

Gene: TNXB (tenascin XB; minus strand). Cytogenetic location: 6p21.33.
Variant type: single nucleotide variant.
Coding change: c.2036G>A on transcript NM_001365276.2 (MANE Select); coding-DNA position 2036, G replaced by A.
Protein change: p.Gly679Glu; replaces glycine 679 with glutamic acid.
Molecular consequence: missense variant.
Genome position (GRCh38, 1-based): chr6:32,095,817, C>T on the plus strand (G>A on the coding strand, the complement: TNXB is on the minus strand). VCF-style: chr6-32095817-C-T. GRCh37 (hg19) VCF-style: chr6-32063594-C-T.
Other names: c.2036G>A, p.Gly679Glu (NM_001428335.1, NM_019105.8); short protein forms G679E.
Identifiers: ClinVar variation 4881198 (VCV004881198.2).